The following is an entry in ClinVar:

ClinVar aggregate classification (germline): Uncertain significance (1 of 4 stars; one submission).

Conditions:
Inborn genetic diseases. Identifiers: MedGen C0950123, MeSH D030342.

gnomAD v4.1: 1 of 1,613,314 alleles (0.000062%); highest among the groups gnomAD compares: South Asian, 0.0011%; no homozygotes.

Submission:

Ambry Genetics
Classification: Uncertain significance for Inborn genetic diseases. Last evaluated: 2025-09-18. Review status: criteria provided, single submitter. Criteria: Ambry Variant Classification Scheme 2023. Collection method: clinical testing. Allele origin: germline.
Comment: The c.164-3C>T intronic variant results from a C to T substitution 3 nucleotides upstream from coding exon 3 in the ETV6 gene. This nucleotide position is highly conserved in available vertebrate species. In silico splice site analysis predicts that this alteration will not have any significant effect on splicing. Based on the available evidence, the clinical significance of this variant remains unclear.

NM_001987.5(ETV6):c.164-3C>T

Genes: ETV6 (ETS variant transcription factor 6; plus strand), LOC126861451 (BRD4-independent group 4 enhancer GRCh37_chr12:11991350-11992549; plus strand). Cytogenetic location: 12p13.2.
Variant type: single nucleotide variant.
Coding change: c.164-3C>T on transcript NM_001987.5 (MANE Select); 3 bases into the intron before coding-DNA position 164, C replaced by T.
Molecular consequence: intron variant.
Genome position (GRCh38, 1-based): chr12:11,839,137, C>T. VCF-style: chr12-11839137-C-T. GRCh37 (hg19) VCF-style: chr12-11992071-C-T.
Other names: c.137-3C>T (NM_001413914.1); c.164-3C>T (NM_001413917.1, NM_001413916.1, NM_001413918.1); c.161-3C>T (NM_001413913.1); c.-101-3C>T (NM_001413915.1).
Identifiers: ClinVar variation 4618832 (VCV004618832.1).
Genomic context (GRCh38, chr12:11,839,137, plus strand): 5'-TTCCAGCTGTCTAACTGACAAGACCTTTCTCTCTTTCTTTCTGCCTCATGCTCTCTCCAA[C>T]AGGCTTGCAGCCAATTTACTGGAGCAGGGATGACGTAGCCCAGTGGCTCAAGTGGGCTGA-3'